The following is an entry in ClinVar:

ClinVar aggregate classification (germline): Uncertain significance. Review status: criteria provided, multiple submitters, no conflicts (2 of 4 stars). 2 submissions from 2 submitters: Uncertain significance (2). Last evaluated 2025-12-22.

Conditions:
Chédiak-Higashi syndrome (CHS). Also called: Chediak-Higashi Syndrome. Identifiers: Orphanet 167, MedGen C0007965, MONDO:0008963, OMIM 214500.
Inborn genetic diseases. Identifiers: MedGen C0950123, MeSH D030342.

Allele frequency attached by ClinVar (database versions not stated): TOPMed below 0.00001; ExAC 0.00001; gnomAD exomes 0.00001.
gnomAD v4.1: 4 of 1,614,046 alleles (0.00025%); highest among the groups gnomAD compares: Admixed American, 0.0067%; no homozygotes.

Submissions (2):

Ambry Genetics
Classification: Uncertain significance for Inborn genetic diseases. Last evaluated: 2025-12-22. Review status: criteria provided, single submitter. Criteria: Ambry Variant Classification Scheme 2023. Collection method: clinical testing. Allele origin: germline.

Labcorp Genetics (formerly Invitae), Labcorp
Classification: Uncertain significance for Chédiak-Higashi syndrome. Last evaluated: 2024-10-22. Review status: criteria provided, single submitter. Criteria: Invitae Variant Classification Sherloc (09022015). Collection method: clinical testing. Allele origin: germline.
Comment: This sequence change replaces glycine, which is neutral and non-polar, with arginine, which is basic and polar, at codon 841 of the LYST protein (p.Gly841Arg). This variant is present in population databases (rs766650024, gnomAD 0.01%). This variant has not been reported in the literature in individuals affected with LYST-related conditions. ClinVar contains an entry for this variant (Variation ID: 1403855). Invitae Evidence Modeling of protein sequence and biophysical properties (such as structural, functional, and spatial information, amino acid conservation, physicochemical variation, residue mobility, and thermodynamic stability) indicates that this missense variant is not expected to disrupt LYST protein function with a negative predictive value of 80%. In summary, the available evidence is currently insufficient to determine the role of this variant in disease. Therefore, it has been classified as a Variant of Uncertain Significance.

NM_000081.4(LYST):c.2521G>C (p.Gly841Arg)

Gene: LYST (lysosomal trafficking regulator; minus strand). Cytogenetic location: 1q42.3.
Variant type: single nucleotide variant.
Coding change: c.2521G>C on transcript NM_000081.4 (MANE Select); coding-DNA position 2521, G replaced by C.
Protein change: p.Gly841Arg; replaces glycine 841 with arginine.
Molecular consequence: missense variant.
Genome position (GRCh38, 1-based): chr1:235,806,615, C>G on the plus strand (G>C on the coding strand, the complement: LYST is on the minus strand). VCF-style: chr1-235806615-C-G. GRCh37 (hg19) VCF-style: chr1-235969915-C-G.
Other names: c.2521G>C, p.Gly841Arg (NM_001301365.1); c.2521G>C (NM_000081.2); short protein forms G841R.
Identifiers: ClinVar variation 1403855 (VCV001403855.5), dbSNP rs766650024, ClinGen allele CA1467259.